The following is an entry in ClinVar:

ClinVar aggregate classification (germline): Benign/Likely benign. Review status: criteria provided, multiple submitters, no conflicts (2 of 4 stars). 6 submissions from 6 submitters: Benign (3); Likely benign (3). Last evaluated 2026-01-27.

Conditions:
Epidermolysis bullosa simplex with nail dystrophy (EBS5D). Identifiers: MedGen C4225309, MONDO:0014661, OMIM 616487.
Epidermolysis bullosa simplex 5B, with muscular dystrophy (EBS5B). Also called: Epidermolysis bullosa simplex with muscular dystrophy; EPIDERMOLYSIS BULLOSA SIMPLEX AND LIMB-GIRDLE MUSCULAR DYSTROPHY. Identifiers: Orphanet 257, MedGen C2931072, MONDO:0009181, OMIM 226670.
Autosomal recessive limb-girdle muscular dystrophy type 2Q (LGMDR17). Also called: MUSCULAR DYSTROPHY, LIMB-GIRDLE, AUTOSOMAL RECESSIVE 17. Identifiers: Orphanet 254361, MedGen C3150989, MONDO:0013390, OMIM 613723.
Epidermolysis bullosa simplex 5C, with pyloric atresia (EBS5C). Also called: PLEC1-Related Epidermolysis Bullosa with Pyloric Atresia; PLEC-Related Epidermolysis Bullosa with Pyloric Atresia; Epidermolysis bullosa simplex with pyloric atresia. Identifiers: Orphanet 158684, MedGen C2677349, MONDO:0012807, OMIM 612138.
Epidermolysis bullosa simplex, Ogna type (EBS5A). Also called: EPIDERMOLYSIS BULLOSA SIMPLEX 5A, OGNA TYPE; Pidermolysis bullosa simplex 5A, Ogna type. Identifiers: Orphanet 79401, MedGen C0432317, MONDO:0007555, OMIM 131950.

Allele frequency attached by ClinVar (database versions not stated): ESP Exome Variant Server 0.00180; gnomAD 0.00230; TOPMed 0.00246; 1000 Genomes Project 30x 0.00297; 1000 Genomes Project 0.00319.
gnomAD v4.1: 681 of 1,613,124 alleles (0.042%); highest among the groups gnomAD compares: African/African-American, 0.8%; 4 homozygotes.

Submissions (6):

Labcorp Genetics (formerly Invitae), Labcorp
Classification: Likely benign for Autosomal recessive limb-girdle muscular dystrophy type 2Q; Epidermolysis bullosa simplex, Ogna type; Epidermolysis bullosa simplex with nail dystrophy; Epidermolysis bullosa simplex 5C, with pyloric atresia; Epidermolysis bullosa simplex 5B, with muscular dystrophy. Last evaluated: 2026-01-27. Review status: criteria provided, single submitter. Criteria: Invitae Variant Classification Sherloc (09022015). Collection method: clinical testing. Allele origin: germline.

Blueprint Genetics
Classification: Likely benign. Last evaluated: 2024-11-13. Review status: criteria provided, single submitter. Criteria: ACMG Guidelines, 2015. Collection method: clinical testing. Allele origin: germline.

Mayo Clinic Laboratories, Mayo Clinic
Classification: Benign. Last evaluated: 2024-08-27. Review status: criteria provided, single submitter. Criteria: ACMG Guidelines, 2015. Collection method: clinical testing. Allele origin: germline. Observed: 7 variant alleles.
Comment: BS1, BS2, BP4

Athena Diagnostics
Classification: Benign. Last evaluated: 2021-05-18. Review status: criteria provided, single submitter. Criteria: Athena Diagnostics criteria. Collection method: clinical testing. Allele origin: unknown.

GeneDx
Classification: Likely benign. Last evaluated: 2021-01-25. Review status: criteria provided, single submitter. Criteria: GeneDx Variant Classification Process June 2021. Collection method: clinical testing. Allele origin: germline. Affected: yes.

Eurofins Ntd Llc (ga)
Classification: Benign. Last evaluated: 2016-12-28. Review status: criteria provided, single submitter. Criteria: EGL Classification Definitions 2015. Collection method: clinical testing. Allele origin: germline. Observed: 10 variant alleles, 10 heterozygotes.

NM_201384.3(PLEC):c.3778C>G (p.Arg1260Gly)

Gene: PLEC (plectin; minus strand). Cytogenetic location: 8q24.3.
Variant type: single nucleotide variant.
Coding change: c.3778C>G on transcript NM_201384.3 (MANE Select); coding-DNA position 3778, C replaced by G.
Protein change: p.Arg1260Gly; replaces arginine 1260 with glycine.
Molecular consequence: missense variant.
Genome position (GRCh38, 1-based): chr8:143,927,314, G>C on the plus strand (C>G on the coding strand, the complement: PLEC is on the minus strand). VCF-style: chr8-143927314-G-C. GRCh37 (hg19) VCF-style: chr8-145001482-G-C.
Other names: p.Arg1246Gly; c.3859C>G, p.Arg1287Gly (NM_000445.5); c.3736C>G, p.Arg1246Gly (NM_201378.4); c.3712C>G, p.Arg1238Gly (NM_201379.3); c.4189C>G, p.Arg1397Gly (NM_201380.4); c.3682C>G, p.Arg1228Gly (NM_201381.3); c.3778C>G, p.Arg1260Gly (NM_201382.4); c.3790C>G, p.Arg1264Gly (NM_201383.3); short protein forms R1228G, R1238G, R1246G, R1260G, R1264G, R1287G, R1397G.
Identifiers: ClinVar variation 196148 (VCV000196148.19), dbSNP rs151022876, ClinGen allele CA243000.